The following is an entry in ClinVar:

NM_000455.5(STK11):c.905A>T (p.Gln302Leu)

Gene: STK11 (serine/threonine kinase 11; plus strand). Cytogenetic location: 19p13.3.
Variant type: single nucleotide variant.
Coding change: c.905A>T on transcript NM_000455.5 (MANE Select); coding-DNA position 905, A replaced by T.
Protein change: p.Gln302Leu; replaces glutamine 302 with leucine.
Molecular consequence: missense variant.
Genome position (GRCh38, 1-based): chr19:1,221,991, A>T. VCF-style: chr19-1221991-A-T. GRCh37 (hg19) VCF-style: chr19-1221990-A-T.
Other names: c.905A>T, p.Gln302Leu (NM_001407255.1); short protein forms Q302L.
Identifiers: ClinVar variation 1716669 (VCV001716669.7), dbSNP rs2145428824, ClinGen allele CA402951291.

ClinVar aggregate classification (germline): Uncertain significance. Review status: criteria provided, multiple submitters, no conflicts (2 of 4 stars). 2 submissions from 2 submitters: Uncertain significance (2). Last evaluated 2024-03-06.

Conditions:
Peutz-Jeghers syndrome (PJS). Also called: Peutz-Jeghers polyposis; Periorificial lentiginosis syndrome; POLYPOSIS, HAMARTOMATOUS INTESTINAL; POLYPS-AND-SPOTS SYNDROME. Identifiers: Orphanet 2869, MedGen C0031269, MeSH D010580, MONDO:0008280, OMIM 175200.
Hereditary cancer-predisposing syndrome. Also called: Hereditary neoplastic syndrome; Tumor predisposition; Neoplastic Syndromes, Hereditary; Hereditary Cancer Syndrome. Identifiers: Orphanet 140162, MedGen C0027672, MeSH D009386, MONDO:0015356.

Submissions (2):

Color Diagnostics, LLC DBA Color Health
Classification: Uncertain significance for Hereditary cancer-predisposing syndrome. Last evaluated: 2024-03-06. Review status: criteria provided, single submitter. Criteria: ACMG Guidelines, 2015. Collection method: clinical testing. Allele origin: germline.
Comment: This missense variant replaces glutamine with leucine at codon 302 of the STK11 protein. Computational prediction suggests that this variant may have deleterious impact on protein structure and function (internally defined REVEL score threshold >= 0.7, PMID: 27666373). To our knowledge, functional studies have not been reported for this variant. This variant has not been reported in individuals affected with hereditary cancer in the literature. This variant has not been identified in the general population by the Genome Aggregation Database (gnomAD). The available evidence is insufficient to determine the role of this variant in disease conclusively. Therefore, this variant is classified as a Variant of Uncertain Significance.

Labcorp Genetics (formerly Invitae), Labcorp
Classification: Uncertain significance for Peutz-Jeghers syndrome. Last evaluated: 2023-08-28. Review status: criteria provided, single submitter. Criteria: Invitae Variant Classification Sherloc (09022015). Collection method: clinical testing. Allele origin: germline.
Comment: In summary, the available evidence is currently insufficient to determine the role of this variant in disease. Therefore, it has been classified as a Variant of Uncertain Significance. This sequence change replaces glutamine, which is neutral and polar, with leucine, which is neutral and non-polar, at codon 302 of the STK11 protein (p.Gln302Leu). This variant is not present in population databases (gnomAD no frequency). This variant has not been reported in the literature in individuals affected with STK11-related conditions. ClinVar contains an entry for this variant (Variation ID: 1716669). Advanced modeling of protein sequence and biophysical properties (such as structural, functional, and spatial information, amino acid conservation, physicochemical variation, residue mobility, and thermodynamic stability) has been performed at Invitae for this missense variant, however the output from this modeling did not meet the statistical confidence thresholds required to predict the impact of this variant on STK11 protein function.